The following is an entry in ClinVar:

NM_000256.3(MYBPC3):c.2309-9C>A

Gene: MYBPC3 (myosin binding protein C3; minus strand). Cytogenetic location: 11p11.2.
Variant type: single nucleotide variant.
Coding change: c.2309-9C>A on transcript NM_000256.3 (MANE Select); 9 bases into the intron before coding-DNA position 2309, C replaced by A.
Molecular consequence: intron variant.
Genome position (GRCh38, 1-based): chr11:47,337,803, G>T on the plus strand (C>A on the coding strand, the complement: MYBPC3 is on the minus strand). VCF-style: chr11-47337803-G-T. GRCh37 (hg19) VCF-style: chr11-47359354-G-T.
Other names: c.2309-9C>A (LRG_386t1).
Identifiers: ClinVar variation 180919 (VCV000180919.5), dbSNP rs730880528, ClinGen allele CA012052.

ClinVar aggregate classification (germline): Uncertain significance. Review status: criteria provided, multiple submitters, no conflicts (2 of 4 stars). 2 submissions from 2 submitters: Uncertain significance (2). Last evaluated 2025-07-15.

Conditions:
Cardiomyopathy (CMYO). Also called: Cardiomyopathies. Identifiers: Orphanet 167848, MedGen C0878544, MONDO:0004994, HP:0001638. Inheritance: Various modes of inheritance.

Allele frequency attached by ClinVar (database versions not stated): gnomAD exomes below 0.00001 and 0.00001; TOPMed below 0.00001.
gnomAD v4.1: 1 of 1,549,910 alleles (0.000065%); no homozygotes.

Submissions (2):

Color Diagnostics, LLC DBA Color Health
Classification: Uncertain significance for Cardiomyopathy. Last evaluated: 2025-07-15. Review status: criteria provided, single submitter. Criteria: ACMG Guidelines, 2015. Collection method: clinical testing. Allele origin: germline.
Comment: This variant causes a C to A nucleotide substitution at the -9 position of intron 23 of the MYBPC3 gene. To our knowledge, functional studies have not been reported for this variant. This variant has been reported in an individual affected with either hypertrophic cardiomyopathy or long QT syndrome, however details were not available (PMID: 31229680). This variant has been identified in 1/148910 chromosomes in the general population by the Genome Aggregation Database (gnomAD). The available evidence is insufficient to determine the role of this variant in disease conclusively. Therefore, this variant is classified as a Variant of Uncertain Significance.

GeneDx
Classification: Uncertain significance. Last evaluated: 2019-12-04. Review status: criteria provided, single submitter. Criteria: GeneDx Variant Classification Process June 2021. Collection method: clinical testing. Allele origin: germline. Affected: yes.
Comment: Has not been previously published as pathogenic or benign to our knowledge; Not observed at a significant frequency in large population cohorts (Lek et al., 2016); In-silico analysis, which includes splice predictors and evolutionary conservation, is inconclusive as to whether the variant alters gene splicing; in the absence of RNA/functional studies, the actual effect of this sequence change is unknown

Literature cited by the submitters: PubMed 31229680 (cited by Color Diagnostics, LLC DBA Color Health).